The following is an entry in ClinVar:

ClinVar aggregate classification (germline): Uncertain significance (1 of 4 stars; one submission).

Conditions:
Inborn genetic diseases. Identifiers: MedGen C0950123, MeSH D030342.

Allele frequency attached by ClinVar (database versions not stated): gnomAD exomes below 0.00001.
gnomAD v4.1: 1 of 1,614,148 alleles (0.000062%); highest among the groups gnomAD compares: Non-Finnish European, 0.000085%; no homozygotes.

Submission:

Ambry Genetics
Classification: Uncertain significance for Inborn genetic diseases. Last evaluated: 2022-11-19. Review status: criteria provided, single submitter. Criteria: Ambry Variant Classification Scheme 2023. Collection method: clinical testing. Allele origin: germline.
Comment: The p.E636K variant (also known as c.1906G>A), located in coding exon 15 of the BUB1B gene, results from a G to A substitution at nucleotide position 1906. The glutamic acid at codon 636 is replaced by lysine, an amino acid with similar properties. This amino acid position is conserved. In addition, this alteration is predicted to be tolerated by in silico analysis. Since supporting evidence is limited at this time, the clinical significance of this alteration remains unclear.

NM_001211.6(BUB1B):c.1906G>A (p.Glu636Lys)

Gene: BUB1B (BUB1 mitotic checkpoint serine/threonine kinase B; plus strand). Cytogenetic location: 15q15.1.
Variant type: single nucleotide variant.
Coding change: c.1906G>A on transcript NM_001211.6 (MANE Select); coding-DNA position 1906, G replaced by A.
Protein change: p.Glu636Lys; replaces glutamic acid 636 with lysine.
Molecular consequence: missense variant.
Genome position (GRCh38, 1-based): chr15:40,206,355, G>A. VCF-style: chr15-40206355-G-A. GRCh37 (hg19) VCF-style: chr15-40498556-G-A.
Other names: short protein forms E636K.
Identifiers: ClinVar variation 2450809 (VCV002450809.2), dbSNP rs2037636594, ClinGen allele CA391692650.